The following is an entry in ClinVar:

NM_001458.5(FLNC):c.232A>G (p.Ser78Gly)

Gene: FLNC (filamin C; plus strand). Cytogenetic location: 7q32.1.
Variant type: single nucleotide variant.
Coding change: c.232A>G on transcript NM_001458.5 (MANE Select); coding-DNA position 232, A replaced by G.
Protein change: p.Ser78Gly; replaces serine 78 with glycine.
Molecular consequence: missense variant.
Genome position (GRCh38, 1-based): chr7:128,830,869, A>G. VCF-style: chr7-128830869-A-G. GRCh37 (hg19) VCF-style: chr7-128470923-A-G.
Other names: c.232A>G, p.Ser78Gly (NM_001127487.2); short protein forms S78G.
Identifiers: ClinVar variation 1308894 (VCV001308894.9), dbSNP rs746082496, ClinGen allele CA4473981.

ClinVar aggregate classification (germline): Uncertain significance. Review status: criteria provided, multiple submitters, no conflicts (2 of 4 stars). 2 submissions from 2 submitters: Uncertain significance (2). Last evaluated 2022-09-03.

Conditions:
Hypertrophic cardiomyopathy 26. Also called: Cardiomyopathy, familial hypertrophic, 26. Identifiers: Orphanet 75249, MedGen C4310749, MONDO:0014883, OMIM 617047.
Myofibrillar myopathy 5. Also called: FILAMINOPATHY, AUTOSOMAL DOMINANT; Filaminopathy (type). Identifiers: Orphanet 171445, MedGen C1836050, MONDO:0012289, OMIM 609524.
Distal myopathy with posterior leg and anterior hand involvement. Also called: WILLIAMS DISTAL MYOPATHY. Identifiers: Orphanet 63273, MedGen C3279722, MONDO:0013550, OMIM 614065.

Allele frequency attached by ClinVar (database versions not stated): gnomAD exomes below 0.00001; ExAC 0.00001.

Submissions (2):

Labcorp Genetics (formerly Invitae), Labcorp
Classification: Uncertain significance for Distal myopathy with posterior leg and anterior hand involvement; Myofibrillar myopathy 5; Hypertrophic cardiomyopathy 26. Last evaluated: 2022-09-03. Review status: criteria provided, single submitter. Criteria: Invitae Variant Classification Sherloc (09022015). Collection method: clinical testing. Allele origin: germline.
Comment: Algorithms developed to predict the effect of missense changes on protein structure and function are either unavailable or do not agree on the potential impact of this missense change (SIFT: "Deleterious"; PolyPhen-2: "Benign"; Align-GVGD: "Class C0"). ClinVar contains an entry for this variant (Variation ID: 1308894). This variant has not been reported in the literature in individuals affected with FLNC-related conditions. This variant is present in population databases (rs746082496, gnomAD 0.0009%). This sequence change replaces serine, which is neutral and polar, with glycine, which is neutral and non-polar, at codon 78 of the FLNC protein (p.Ser78Gly). In summary, the available evidence is currently insufficient to determine the role of this variant in disease. Therefore, it has been classified as a Variant of Uncertain Significance.

GeneDx
Classification: Uncertain significance. Last evaluated: 2019-09-30. Review status: criteria provided, single submitter. Criteria: GeneDx Variant Classification Process June 2021. Collection method: clinical testing. Allele origin: germline. Affected: yes.
Comment: Has not been previously published as pathogenic or benign to our knowledge; Not observed at a significant frequency in large population cohorts (Lek et al., 2016); In silico analysis, which includes protein predictors and evolutionary conservation, supports a deleterious effect